The following is an entry in ClinVar:

ClinVar aggregate classification (germline): Likely benign (0 of 4 stars; one submission).

Conditions:
ARHGAP29-related disorder. Also called: ARHGAP29-related condition; ARHGAP29-Related Disorders.

Allele frequency attached by ClinVar (database versions not stated): gnomAD exomes 0.00001; ExAC 0.00002.
gnomAD v4.1: 6 of 1,613,094 alleles (0.00037%); highest among the groups gnomAD compares: Admixed American, 0.005%; no homozygotes.

Submission:

PreventionGenetics, part of Exact Sciences
Classification: Likely benign for ARHGAP29-related condition. Last evaluated: 2024-01-20. Review status: no assertion criteria provided. Collection method: clinical testing. Allele origin: germline.
Comment: This variant is classified as likely benign based on ACMG/AMP sequence variant interpretation guidelines (Richards et al. 2015 PMID: 25741868, with internal and published modifications).

NM_004815.4(ARHGAP29):c.510+7T>C

Gene: ARHGAP29 (Rho GTPase activating protein 29; minus strand). Cytogenetic location: 1p22.1.
Variant type: single nucleotide variant.
Coding change: c.510+7T>C on transcript NM_004815.4 (MANE Select); 7 bases into the intron after coding-DNA position 510, T replaced by C.
Molecular consequence: intron variant.
Genome position (GRCh38, 1-based): chr1:94,208,825, A>G on the plus strand (T>C on the coding strand, the complement: ARHGAP29 is on the minus strand). VCF-style: chr1-94208825-A-G. GRCh37 (hg19) VCF-style: chr1-94674381-A-G.
Other names: c.318+7T>C (NM_001328665.2, NM_001328667.2); c.510+7T>C (NM_001328664.2, NM_001328666.2).
Identifiers: ClinVar variation 3053271 (VCV003053271.2), dbSNP rs766318204, ClinGen allele CA959799.